The following is an entry in ClinVar:

ClinVar aggregate classification (germline): Uncertain significance (1 of 4 stars; one submission).

gnomAD v4.1: 11 of 1,613,842 alleles (0.00068%); highest among the groups gnomAD compares: Non-Finnish European, 0.00093%; no homozygotes.

Submission:

Labcorp Genetics (formerly Invitae), Labcorp
Classification: Uncertain significance. Last evaluated: 2025-02-07. Review status: criteria provided, single submitter. Criteria: Invitae Variant Classification Sherloc (09022015). Collection method: clinical testing. Allele origin: germline.
Comment: This sequence change replaces phenylalanine, which is neutral and non-polar, with leucine, which is neutral and non-polar, at codon 530 of the HPS5 protein (p.Phe530Leu). This variant is present in population databases (no rsID available, gnomAD 0.0009%). This variant has not been reported in the literature in individuals affected with HPS5-related conditions. An algorithm developed to predict the effect of missense changes on protein structure and function (PolyPhen-2) suggests that this variant is likely to be disruptive. In summary, the available evidence is currently insufficient to determine the role of this variant in disease. Therefore, it has been classified as a Variant of Uncertain Significance.

NM_181507.2(HPS5):c.1590T>G (p.Phe530Leu)

Gene: HPS5 (HPS5 biogenesis of lysosomal organelles complex 2 subunit 2; minus strand). Cytogenetic location: 11p15.1.
Variant type: single nucleotide variant.
Coding change: c.1590T>G on transcript NM_181507.2 (MANE Select); coding-DNA position 1590, T replaced by G.
Protein change: p.Phe530Leu; replaces phenylalanine 530 with leucine.
Molecular consequence: missense variant.
Genome position (GRCh38, 1-based): chr11:18,296,043, A>C on the plus strand (T>G on the coding strand, the complement: HPS5 is on the minus strand). VCF-style: chr11-18296043-A-C. GRCh37 (hg19) VCF-style: chr11-18317590-A-C.
Other names: c.1590T>G, p.Phe530Leu (NM_001440902.1, NM_001440903.1, NM_001440904.1 and 5 more transcripts); c.1404T>G, p.Phe468Leu (NM_001440918.1); c.1377T>G, p.Phe459Leu (NM_001440919.1); c.1248T>G, p.Phe416Leu (NM_001440920.1, NM_001440921.1, NM_001440922.1 and 7 more transcripts); c.1176T>G, p.Phe392Leu (NM_001440927.1, NM_001440928.1, NM_001440929.1); c.1515T>G, p.Phe505Leu (NM_001440907.1, NM_001440908.1, NM_001440909.1); c.1479T>G, p.Phe493Leu (NM_001440913.1, NM_001440914.1, NM_001440915.1); short protein forms F392L, F530L, F493L, F416L, F459L, F505L, F468L.
Identifiers: ClinVar variation 4778526 (VCV004778526.1).
Genomic context (GRCh38, chr11:18,296,043, plus strand): 5'-AGACTAATTGGTTTACCTTTCTTTGACAGCCTGAAGAGACACAAGAGGAGATGGAGAACG[A>C]AATGGTAATGGAATGCCGAACGGGAGAAAAGTTTCATTCTTATCTGTCTCAAACATCACT-3'
Protein context (NP_852608.1, residues 520-540): TFLPFGIPLP[Phe530Leu]RSPSPLVSLQ